The following is an entry in ClinVar:

ClinVar aggregate classification (germline): Uncertain significance (1 of 4 stars; one submission).

Conditions:
Familial adenomatous polyposis 2. Also called: FAP type 2; MUTYH Polyposis; COLORECTAL ADENOMATOUS POLYPOSIS, AUTOSOMAL RECESSIVE; ADENOMAS, MULTIPLE COLORECTAL, AUTOSOMAL RECESSIVE; MUTYH-associated polyposis; MUTYH-related attenuated familial adenomatous polyposis. Identifiers: Orphanet 220460, Orphanet 247798, MedGen C3272841, MONDO:0012041, OMIM 608456.

Submission:

Labcorp Genetics (formerly Invitae), Labcorp
Classification: Uncertain significance for Familial adenomatous polyposis 2. Last evaluated: 2021-10-04. Review status: criteria provided, single submitter. Criteria: Invitae Variant Classification Sherloc (09022015). Collection method: clinical testing. Allele origin: germline.
Comment: In summary, the available evidence is currently insufficient to determine the role of this variant in disease. Therefore, it has been classified as a Variant of Uncertain Significance. Algorithms developed to predict the effect of missense changes on protein structure and function (SIFT, PolyPhen-2, Align-GVGD) all suggest that this variant is likely to be disruptive. This variant has not been reported in the literature in individuals affected with MUTYH-related conditions. This variant is not present in population databases (ExAC no frequency). This sequence change replaces valine with alanine at codon 242 of the MUTYH protein (p.Val242Ala). The valine residue is highly conserved and there is a small physicochemical difference between valine and alanine.

NM_001048174.2(MUTYH):c.641T>C (p.Val214Ala)

Gene: MUTYH (mutY DNA glycosylase; minus strand). Cytogenetic location: 1p34.1.
Variant type: single nucleotide variant.
Coding change: c.641T>C on transcript NM_001048174.2 (MANE Select); coding-DNA position 641, T replaced by C.
Protein change: p.Val214Ala; replaces valine 214 with alanine.
Molecular consequence: missense variant. On other transcripts: non-coding transcript variant (2).
Genome position (GRCh38, 1-based): chr1:45,332,454, A>G on the plus strand (T>C on the coding strand, the complement: MUTYH is on the minus strand). VCF-style: chr1-45332454-A-G. GRCh37 (hg19) VCF-style: chr1-45798126-A-G.
Other names: c.641T>C, p.Val214Ala (NM_001048171.2, NM_001048173.2, NM_001293195.2); c.644T>C, p.Val215Ala (NM_001048172.2); c.725T>C, p.Val242Ala (NM_001128425.2); c.686T>C, p.Val229Ala (NM_001293190.2); c.674T>C, p.Val225Ala (NM_001293191.2); c.365T>C, p.Val122Ala (NM_001293192.2, NM_001293196.2); c.296T>C, p.Val99Ala (NM_001350650.2, NM_001350651.2); c.716T>C, p.Val239Ala (NM_012222.3); short protein forms V242A, V215A, V229A, V99A, V214A, V225A, V239A, V122A.
Identifiers: ClinVar variation 843949 (VCV000843949.7), dbSNP rs1645090735, ClinGen allele CA340134862.
Genomic context (GRCh38, chr1:45,332,454, plus strand): 5'-AGCTGCTGGGAAACAAGGGTGCTGCTGGGATCAGCACCAATGGCTCGGACACGGCACAGC[A>G]CCCGTGCTACGTTGCCATCCACCACACCGGTTGCCTGGCACAGAGGGGCCAAAGAGTTAG-3'
Protein context (NP_001041639.1, residues 204-224): TGVVDGNVAR[Val214Ala]LCRVRAIGAD